The following is an entry in ClinVar:

NM_000271.5(NPC1):c.2911+10C>T

Gene: NPC1 (NPC intracellular cholesterol transporter 1; minus strand). Cytogenetic location: 18q11.2.
Variant type: single nucleotide variant.
Coding change: c.2911+10C>T on transcript NM_000271.5 (MANE Select); 10 bases into the intron after coding-DNA position 2911, C replaced by T.
Molecular consequence: intron variant.
Genome position (GRCh38, 1-based): chr18:23,539,345, G>A on the plus strand (C>T on the coding strand, the complement: NPC1 is on the minus strand). VCF-style: chr18-23539345-G-A. GRCh37 (hg19) VCF-style: chr18-21119309-G-A.
Other names: c.2911+10C>T (NM_000271.4).
Identifiers: ClinVar variation 594775 (VCV000594775.15), dbSNP rs370382673, ClinGen allele CA8912933.

ClinVar aggregate classification (germline): Conflicting classifications of pathogenicity. Review status: criteria provided, conflicting classifications (1 of 4 stars). 3 submissions from 3 submitters: Uncertain significance (1); Likely benign (1). 1 of the submissions does not count toward it. Last evaluated 2025-07-14.

Conditions:
NPC1-related disorder. Also called: NPC1-related condition.
Niemann-Pick disease, type C1. Also called: NEUROVISCERAL STORAGE DISEASE WITH VERTICAL SUPRANUCLEAR OPHTHALMOPLEGIA; NIEMANN-PICK DISEASE WITH CHOLESTEROL ESTERIFICATION BLOCK; NIEMANN-PICK DISEASE WITHOUT SPHINGOMYELINASE DEFICIENCY; NIEMANN-PICK DISEASE, CHRONIC NEURONOPATHIC FORM; NIEMANN-PICK DISEASE, VARIANT TYPE C1. Identifiers: Orphanet 646, MedGen C3179455, MONDO:0009757, OMIM 257220.

Allele frequency attached by ClinVar (database versions not stated): gnomAD exomes 0.00001 and 0.00002; ExAC 0.00003; TOPMed 0.00006; gnomAD 0.00007 and 0.00008; ESP Exome Variant Server 0.00008.
gnomAD v4.1: 18 of 1,583,884 alleles (0.0011%); highest among the groups gnomAD compares: African/African-American, 0.024%; no homozygotes.

Submissions (3):

Labcorp Genetics (formerly Invitae), Labcorp
Classification: Likely benign for Niemann-Pick disease, type C1. Last evaluated: 2025-07-14. Review status: criteria provided, single submitter. Criteria: Invitae Variant Classification Sherloc (09022015). Collection method: clinical testing. Allele origin: germline.

Eurofins Ntd Llc (ga)
Classification: Uncertain significance. Last evaluated: 2017-10-30. Review status: criteria provided, single submitter. Criteria: EGL Classification Definitions 2015. Collection method: clinical testing. Allele origin: germline. Observed: 1 variant allele, 1 heterozygote.

PreventionGenetics, part of Exact Sciences
Classification: Likely benign for NPC1-related condition. Last evaluated: 2023-02-15. Review status: no assertion criteria provided. Collection method: clinical testing. Allele origin: germline. Not counted in ClinVar's aggregate classification.
Comment: This variant is classified as likely benign based on ACMG/AMP sequence variant interpretation guidelines (Richards et al. 2015 PMID: 25741868, with internal and published modifications).